The following is an entry in ClinVar:

NM_001103.4(ACTN2):c.2653T>C (p.Ser885Pro)

Gene: ACTN2 (actinin alpha 2; plus strand). Cytogenetic location: 1q43.
Variant type: single nucleotide variant.
Coding change: c.2653T>C on transcript NM_001103.4 (MANE Select); coding-DNA position 2653, T replaced by C.
Protein change: p.Ser885Pro; replaces serine 885 with proline.
Molecular consequence: missense variant.
Genome position (GRCh38, 1-based): chr1:236,762,587, T>C. VCF-style: chr1-236762587-T-C. GRCh37 (hg19) VCF-style: chr1-236925887-T-C.
Other names: c.2653T>C, p.Ser885Pro (NM_001278343.2); c.2029T>C, p.Ser677Pro (NM_001278344.2); short protein forms S885P, S677P.
Identifiers: ClinVar variation 216494 (VCV000216494.13), dbSNP rs863224691, ClinGen allele CA338853.
Genomic context (GRCh38, chr1:236,762,587, plus strand): 5'-AGGATGCCCGCCTACTCGGGCCCAGGCAGTGTGCCTGGTGCACTGGATTACGCTGCGTTC[T>C]CTTCCGCACTCTACGGGGAGAGCGATCTGTGATGCTGAGCTTCTGTAATCACTCATCCCA-3'
Protein context (NP_001094.1, residues 875-894): VPGALDYAAF[Ser885Pro]SALYGESDL

ClinVar aggregate classification (germline): Uncertain significance. Review status: criteria provided, multiple submitters, no conflicts (2 of 4 stars). 3 submissions from 3 submitters: Uncertain significance (3). Last evaluated 2025-12-09.

Conditions:
Dilated cardiomyopathy 1AA (CMD1AA). Also called: CARDIOMYOPATHY, DILATED, 1AA, WITH OR WITHOUT LEFT VENTRICULAR NONCOMPACTION; CARDIOMYOPATHY, FAMILIAL HYPERTROPHIC, 23, WITH OR WITHOUT LEFT VENTRICULAR NONCOMPACTION; Cardiomyopathy, dilated, 1AA, with or without LVNC. Identifiers: Orphanet 154, MedGen C2677338, MONDO:0012808, OMIM 612158.
Myopathy, congenital, with structured cores and z-line abnormalities. Also called: MULTIPLE STRUCTURED CORE DISEASE; CONGENITAL MYOPATHY 8. Identifiers: MedGen C5231445, MONDO:0032852, OMIM 618654.
Myopathy, distal, 6, adult-onset, autosomal dominant. Identifiers: MedGen C5203349, MONDO:0032853, OMIM 618655.
Cardiovascular phenotype. Identifiers: MedGen CN230736.
Primary familial hypertrophic cardiomyopathy (HCM). Identifiers: Orphanet 99739, MedGen C0949658, MeSH D024741, MONDO:0024573. Inheritance: Various modes of inheritance.

Allele frequency attached by ClinVar (database versions not stated): gnomAD exomes below 0.00001; TOPMed below 0.00001.

Submissions (3):

Labcorp Genetics (formerly Invitae), Labcorp
Classification: Uncertain significance for Primary familial hypertrophic cardiomyopathy; Dilated cardiomyopathy 1AA. Last evaluated: 2025-12-09. Review status: criteria provided, single submitter. Criteria: Invitae Variant Classification Sherloc (09022015). Collection method: clinical testing. Allele origin: germline.
Comment: This sequence change replaces serine, which is neutral and polar, with proline, which is neutral and non-polar, at codon 885 of the ACTN2 protein (p.Ser885Pro). This variant is not present in population databases (gnomAD no frequency). This variant has not been reported in the literature in individuals affected with ACTN2-related conditions. ClinVar contains an entry for this variant (Variation ID: 216494). Invitae Evidence Modeling of protein sequence and biophysical properties (such as structural, functional, and spatial information, amino acid conservation, physicochemical variation, residue mobility, and thermodynamic stability) indicates that this missense variant is not expected to disrupt ACTN2 protein function with a negative predictive value of 95%. In summary, the available evidence is currently insufficient to determine the role of this variant in disease. Therefore, it has been classified as a Variant of Uncertain Significance.

Ambry Genetics
Classification: Uncertain significance for Cardiovascular phenotype. Last evaluated: 2025-07-09. Review status: criteria provided, single submitter. Criteria: Ambry Variant Classification Scheme 2023. Collection method: clinical testing. Allele origin: germline.
Comment: The p.S885P variant (also known as c.2653T>C), located in coding exon 21 of the ACTN2 gene, results from a T to C substitution at nucleotide position 2653. The serine at codon 885 is replaced by proline, an amino acid with similar properties. This amino acid position is conserved. In addition, this alteration is predicted to be deleterious by in silico analysis. Based on the available evidence, the clinical significance of this variant remains unclear.

Fulgent Genetics
Classification: Uncertain significance for Dilated cardiomyopathy 1AA; Myopathy, congenital, with structured cores and z-line abnormalities; Myopathy, distal, 6, adult-onset, autosomal dominant. Last evaluated: 2021-07-30. Review status: criteria provided, single submitter. Criteria: ACMG Guidelines, 2015. Collection method: clinical testing. Allele origin: unknown.